The following is an entry in ClinVar:

ClinVar aggregate classification (germline): Uncertain significance (1 of 4 stars; one submission).

Conditions:
Megalencephaly-polymicrogyria-postaxial polydactyly-hydrocephalus syndrome. Also called: MEG-PMG-MEGACC SYNDROME; MPPH Syndrome. Identifiers: Orphanet 83473, MedGen C1863924, MONDO:0019375.

gnomAD v4.1: 10 of 1,613,932 alleles (0.00062%); highest among the groups gnomAD compares: Non-Finnish European, 0.00085%; no homozygotes.

Submission:

Labcorp Genetics (formerly Invitae), Labcorp
Classification: Uncertain significance for Megalencephaly-polymicrogyria-postaxial polydactyly-hydrocephalus syndrome. Last evaluated: 2025-08-11. Review status: criteria provided, single submitter. Criteria: Invitae Variant Classification Sherloc (09022015). Collection method: clinical testing. Allele origin: germline.
Comment: This sequence change replaces glycine, which is neutral and non-polar, with serine, which is neutral and polar, at codon 625 of the PIK3R2 protein (p.Gly625Ser). This variant is present in population databases (no rsID available, gnomAD 0.0009%). This variant has not been reported in the literature in individuals affected with PIK3R2-related conditions. Invitae Evidence Modeling of protein sequence and biophysical properties (such as structural, functional, and spatial information, amino acid conservation, physicochemical variation, residue mobility, and thermodynamic stability) indicates that this missense variant is not expected to disrupt PIK3R2 protein function with a negative predictive value of 80%. In summary, the available evidence is currently insufficient to determine the role of this variant in disease. Therefore, it has been classified as a Variant of Uncertain Significance.

NM_005027.4(PIK3R2):c.1873G>A (p.Gly625Ser)

Gene: PIK3R2 (phosphoinositide-3-kinase regulatory subunit 2; plus strand). Cytogenetic location: 19p13.11.
Variant type: single nucleotide variant.
Coding change: c.1873G>A on transcript NM_005027.4 (MANE Select); coding-DNA position 1873, G replaced by A.
Protein change: p.Gly625Ser; replaces glycine 625 with serine.
Molecular consequence: missense variant. On other transcripts: non-coding transcript variant (2).
Genome position (GRCh38, 1-based): chr19:18,168,790, G>A. VCF-style: chr19-18168790-G-A. GRCh37 (hg19) VCF-style: chr19-18279600-G-A.
Other names: short protein forms G625S.
Identifiers: ClinVar variation 4810427 (VCV004810427.1).
Genomic context (GRCh38, chr19:18,168,790, plus strand): 5'-TACGCACTCATGGAGGACGAGGACGATCTCCCGCACCACGAGGAACGCACTTGGTACGTG[G>A]GCAAGATCAACCGCACGCAGGCAGAGGAGATGCTGAGTGGCAAGCGGGATGGCACCTTCC-3'
Protein context (NP_005018.2, residues 615-635): PHHEERTWYV[Gly625Ser]KINRTQAEEM